The following is an entry in ClinVar:

NM_001197104.2(KMT2A):c.10786dup (p.Thr3596fs)

Gene: KMT2A (lysine methyltransferase 2A; plus strand). Cytogenetic location: 11q23.3.
Variant type: Duplication.
Coding change: c.10786dup on transcript NM_001197104.2 (MANE Select); coding-DNA position 10786, one base duplicated (A; older notation c.10786dupA).
Protein change: p.Thr3596fs; shifts the reading frame from threonine 3596.
Molecular consequence: frameshift variant.
Genome position (GRCh38, 1-based): chr11:118,507,560, A duplicated. VCF-style (leftmost placement, unchanged base first): chr11-118507559-T-TA. GRCh37 (hg19) VCF-style: chr11-118378274-T-TA.
Other names: c.10777dup, p.Thr3593fs (NM_005933.4); short protein forms T3596fs, T3593fs.
Identifiers: ClinVar variation 1421471 (VCV001421471.6), dbSNP rs2134419405, ClinGen allele CA2573146947.

ClinVar aggregate classification (germline): Pathogenic (1 of 4 stars; one submission).

Submission:

Labcorp Genetics (formerly Invitae), Labcorp
Classification: Pathogenic. Last evaluated: 2021-08-24. Review status: criteria provided, single submitter. Criteria: Invitae Variant Classification Sherloc (09022015). Collection method: clinical testing. Allele origin: germline.
Comment: This sequence change creates a premature translational stop signal (p.Thr3596Asnfs*3) in the KMT2A gene. It is expected to result in an absent or disrupted protein product. Loss-of-function variants in KMT2A are known to be pathogenic (PMID: 22795537, 25810209, 29574747). For these reasons, this variant has been classified as Pathogenic. This variant has not been reported in the literature in individuals affected with KMT2A-related conditions. This variant is not present in population databases (ExAC no frequency).

Literature cited by the submitters: PubMed 22795537; PubMed 25810209; PubMed 29574747.